The following is an entry in ClinVar:

NM_001005373.4(LRSAM1):c.2003_2015del (p.Leu668fs)

Gene: LRSAM1 (leucine rich repeat and sterile alpha motif containing 1; plus strand). Cytogenetic location: 9q34.11.
Variant type: Deletion.
Coding change: c.2003_2015del on transcript NM_001005373.4 (MANE Select); coding-DNA positions 2003 to 2015, 13 bases deleted (TGGAGGTGCAGGC).
Protein change: p.Leu668fs; shifts the reading frame from leucine 668.
Molecular consequence: frameshift variant. On other transcripts: non-coding transcript variant (2).
Genome position (GRCh38, 1-based): chr9:127,501,100-127,501,112, TGGAGGTGCAGGC deleted; deleting any 13 consecutive bases within chr9:127,501,098-127,501,112 gives the same sequence; the c. name uses the placement nearest the transcript's 3' end. VCF-style (leftmost placement, unchanged base first): chr9-127501097-AGCTGGAGGTGCAG-A. GRCh37 (hg19) VCF-style: chr9-130263376-AGCTGGAGGTGCAG-A.
Other names: c.2003_2015del, p.Leu668fs (NM_001005374.4, NM_001384142.1, NM_138361.5); c.1922_1934del, p.Leu641fs (NM_001190723.3); c.1904_1916del, p.Leu635fs (NM_001384143.1); c.1214_1226del, p.Leu405fs (NM_001384144.1); c.2003_2015delTGGAGGTGCAGGC (NM_138361.5); short protein forms L668fs, L641fs, L405fs, L635fs.
Identifiers: ClinVar variation 234769 (VCV000234769.11), dbSNP rs876661208, ClinGen allele CA10577373.

ClinVar aggregate classification (germline): Likely pathogenic. Review status: criteria provided, multiple submitters, no conflicts (2 of 4 stars). 3 submissions from 3 submitters: Likely pathogenic (3). Last evaluated 2022-09-09.

Conditions:
Charcot-Marie-Tooth disease axonal type 2P. Also called: CHARCOT-MARIE-TOOTH NEUROPATHY, TYPE 2P; Charcot-Marie-Tooth Neuropathy Type 2G; CHARCOT-MARIE-TOOTH DISEASE, AXONAL, TYPE 2G; CMT 2G. Identifiers: Orphanet 300319, Orphanet 99941, MedGen C3280797, MONDO:0013753, OMIM 614436.

Submissions (3):

Labcorp Genetics (formerly Invitae), Labcorp
Classification: Likely pathogenic for Charcot-Marie-Tooth disease axonal type 2P. Last evaluated: 2022-09-09. Review status: criteria provided, single submitter. Criteria: Invitae Variant Classification Sherloc (09022015). Collection method: clinical testing. Allele origin: germline.
Comment: ClinVar contains an entry for this variant (Variation ID: 234769). This sequence change creates a premature translational stop signal (p.Leu668Profs*14) in the LRSAM1 gene. While this is not anticipated to result in nonsense mediated decay, it is expected to disrupt the last 56 amino acid(s) of the LRSAM1 protein. This variant is not present in population databases (gnomAD no frequency). This premature translational stop signal has been observed in individual(s) with LRSAM1-related conditions (Invitae). This variant disrupts the C-terminus of the LRSAM1 protein. Other variant(s) that disrupt this region (p.Glu674Valfs*11, p.Glu682Glyfs*5, c.2047-1G>A) have been observed in individuals with LRSAM1-related conditions (PMID: 22781092, 28286897, 29341362; Invitae). This suggests that this may be a clinically significant region of the protein. In summary, the currently available evidence indicates that the variant is pathogenic, but additional data are needed to prove that conclusively. Therefore, this variant has been classified as Likely Pathogenic.

MGZ Medical Genetics Center
Classification: Likely pathogenic for Charcot-Marie-Tooth disease axonal type 2P. Last evaluated: 2022-03-17. Review status: criteria provided, single submitter. Criteria: ACMG Guidelines, 2015. Collection method: clinical testing. Allele origin: germline. Affected: yes. Observed: 1 variant allele.
Comment: ACMG criteria applied: PVS1, PM2_SUP

GeneDx
Classification: Likely pathogenic. Last evaluated: 2016-01-22. Review status: criteria provided, single submitter. Criteria: GeneDx Variant Classification (06012015). Collection method: clinical testing. Allele origin: germline. Affected: yes.
Comment: The c.2003_2015del13 variant has not been published as a pathogenic variant, nor has it been reported as a benign variant to our knowledge. It was not observed in approximately 6,500 individuals of European and African American ancestry in the NHLBI Exome Sequencing Project, indicating it is not a common benign variant in these populations. The c.2003_2015del13 variant causes a frameshift starting with codon Leucine 668, changes this amino acid to a Proline residue and creates a premature Stop codon at position 14 of the new reading frame, denoted p.Leu668ProfsX14. This variant is predicted to cause loss of normal protein function through protein truncation as the last 56 amino acids of the LRSAM1 protein are lost and replaced with 13 incorrect amino acids. Therefore, this variant is likely pathogenic; however, the possibility that it is benign cannot be excluded.

Literature cited by the submitters: PubMed 22781092 (cited by Labcorp Genetics (formerly Invitae), Labcorp); PubMed 28286897 (cited by Labcorp Genetics (formerly Invitae), Labcorp); PubMed 29341362 (cited by Labcorp Genetics (formerly Invitae), Labcorp).